The following is an entry in ClinVar:

NM_002691.4(POLD1):c.963C>A (p.Gly321=)

Gene: POLD1 (DNA polymerase delta 1, catalytic subunit; plus strand). Cytogenetic location: 19q13.33.
Variant type: single nucleotide variant.
Coding change: c.963C>A on transcript NM_002691.4 (MANE Select); coding-DNA position 963, C replaced by A.
Protein change: p.Gly321=; no amino-acid change (glycine 321 retained).
Molecular consequence: synonymous variant. On other transcripts: non-coding transcript variant (1).
Genome position (GRCh38, 1-based): chr19:50,402,734, C>A. VCF-style: chr19-50402734-C-A. GRCh37 (hg19) VCF-style: chr19-50905991-C-A.
Other names: c.963C>A, p.Gly321= (NM_001256849.1, NM_001308632.1).
Identifiers: ClinVar variation 1139483 (VCV001139483.12), dbSNP rs2122260840, ClinGen allele CA508182211.
Genomic context (GRCh38, chr19:50,402,734, plus strand): 5'-AGGGCCATGGCAGCGCATTGCGCCCTTGCGCGTGCTCAGCTTCGATATCGAGTGCGCCGG[C>A]CGCAAAGGTCTGTCCCCGGGCCCGGGCTCCTGCCCGCCTCATTGATGTGCCAAGTCGGGG-3'
Protein context (NP_002682.2, residues 311-331): RVLSFDIECA[Gly321=]RKGIFPEPER

ClinVar aggregate classification (germline): Benign/Likely benign. Review status: criteria provided, multiple submitters, no conflicts (2 of 4 stars). 3 submissions from 3 submitters: Benign (1); Likely benign (2). Last evaluated 2025-06-22.

Conditions:
POLD1-related polyposis and colorectal cancer syndrome (CRCS10). Also called: Colorectal cancer, susceptibility to, 10; Colorectal cancer 10; COLORECTAL CANCER, SUSCEPTIBILITY TO, ON CHROMOSOME 19q. Identifiers: Orphanet 220460, MedGen C2675481, MONDO:0012953, OMIM 612591.
Hereditary cancer-predisposing syndrome. Also called: Hereditary neoplastic syndrome; Neoplastic Syndromes, Hereditary; Tumor predisposition; Hereditary Cancer Syndrome. Identifiers: Orphanet 140162, MedGen C0027672, MeSH D009386, MONDO:0015356.

Allele frequency attached by ClinVar (database versions not stated): gnomAD exomes below 0.00001.
gnomAD v4.1: 1 of 1,591,290 alleles (0.000063%); highest among the groups gnomAD compares: Non-Finnish European, 0.000086%; no homozygotes.

Submissions (3):

Labcorp Genetics (formerly Invitae), Labcorp
Classification: Likely benign for POLD1-related polyposis and colorectal cancer syndrome. Last evaluated: 2025-06-22. Review status: criteria provided, single submitter. Criteria: Invitae Variant Classification Sherloc (09022015). Collection method: clinical testing. Allele origin: germline.

Myriad Genetics, Inc.
Classification: Benign for POLD1-related polyposis and colorectal cancer syndrome. Last evaluated: 2025-02-05. Review status: criteria provided, single submitter. Criteria: Myriad Autosomal Dominant, Autosomal Recessive and X-Linked Classification Criteria (2023). Collection method: clinical testing. Allele origin: unknown.
Comment: This variant is considered benign. This variant is a silent/synonymous amino acid change and it is not expected to impact splicing.

Ambry Genetics
Classification: Likely benign for Hereditary cancer-predisposing syndrome. Last evaluated: 2019-08-28. Review status: criteria provided, single submitter. Criteria: Ambry Variant Classification Scheme 2023. Collection method: clinical testing. Allele origin: germline.